The following is an entry in ClinVar:

NM_000368.5(TSC1):c.2432G>A (p.Arg811Gln)

Gene: TSC1 (TSC complex subunit 1; minus strand). Cytogenetic location: 9q34.13.
Variant type: single nucleotide variant.
Coding change: c.2432G>A on transcript NM_000368.5 (MANE Select); coding-DNA position 2432, G replaced by A.
Protein change: p.Arg811Gln; replaces arginine 811 with glutamine.
Molecular consequence: missense variant.
Genome position (GRCh38, 1-based): chr9:132,901,659, C>T on the plus strand (G>A on the coding strand, the complement: TSC1 is on the minus strand). VCF-style: chr9-132901659-C-T. GRCh37 (hg19) VCF-style: chr9-135777046-C-T.
Other names: c.2429G>A, p.Arg810Gln (NM_001162426.2); c.2279G>A, p.Arg760Gln (NM_001162427.2); c.2069G>A, p.Arg690Gln (NM_001362177.2); short protein forms R690Q, R811Q, R810Q, R760Q.
Identifiers: ClinVar variation 664903 (VCV000664903.23), dbSNP rs761281095, ClinGen allele CA032689.

ClinVar aggregate classification (germline): Conflicting classifications of pathogenicity. Review status: criteria provided, conflicting classifications (1 of 4 stars). 8 submissions from 8 submitters: Uncertain significance (4); Likely benign (4). Last evaluated 2026-01-20.

Conditions:
Tuberous sclerosis 1 (TSC1). Identifiers: Orphanet 805, MedGen C1854465, MONDO:0008612, OMIM 191100.
Tuberous sclerosis syndrome (TSC). Also called: Tuberous Sclerosis Complex; Tuberous sclerosis. Identifiers: Orphanet 805, MedGen C0041341, MONDO:0001734.
TSC1-related disorder. Also called: TSC1-related condition.
Hereditary cancer-predisposing syndrome. Also called: Tumor predisposition; Hereditary neoplastic syndrome; Hereditary Cancer Syndrome; Neoplastic Syndromes, Hereditary. Identifiers: Orphanet 140162, MedGen C0027672, MeSH D009386, MONDO:0015356.

Allele frequency attached by ClinVar (database versions not stated): gnomAD exomes below 0.00001 and 0.00002; ExAC 0.00001; gnomAD 0.00001; TOPMed 0.00001.
gnomAD v4.1: 29 of 1,613,940 alleles (0.0018%); highest among the groups gnomAD compares: East Asian, 0.0022%; no homozygotes.

Submissions (8):

Labcorp Genetics (formerly Invitae), Labcorp
Classification: Likely benign for Tuberous sclerosis 1. Last evaluated: 2026-01-20. Review status: criteria provided, single submitter. Criteria: Invitae Variant Classification Sherloc (09022015). Collection method: clinical testing. Allele origin: germline.

PreventionGenetics, part of Exact Sciences
Classification: Likely benign for TSC1-related condition. Last evaluated: 2025-09-15. Review status: criteria provided, single submitter. Criteria: ACMG Guidelines, 2015. Collection method: clinical testing. Allele origin: germline.
Comment: This variant is classified as likely benign based on ACMG/AMP sequence variant interpretation guidelines (Richards et al. 2015 PMID: 25741868, with internal and published modifications).

Color Diagnostics, LLC DBA Color Health
Classification: Uncertain significance for Tuberous sclerosis syndrome. Last evaluated: 2025-04-07. Review status: criteria provided, single submitter. Criteria: ACMG Guidelines, 2015. Collection method: clinical testing. Allele origin: germline.
Comment: This missense variant replaces arginine with glutamine at codon 811 of the TSC1 protein. Computational prediction suggests that this variant may not impact protein structure and function. To our knowledge, functional studies have not been reported for this variant. This variant has not been reported in individuals affected with TSC1-related disorders in the literature. This variant has been identified in 1/251334 chromosomes in the general population by the Genome Aggregation Database (gnomAD). The available evidence is insufficient to determine the role of this variant in disease conclusively. Therefore, this variant is classified as a Variant of Uncertain Significance.

Women's Health and Genetics/Laboratory Corporation of America, LabCorp
Classification: Uncertain significance. Last evaluated: 2022-04-26. Review status: criteria provided, single submitter. Criteria: LabCorp Variant Classification Summary - May 2015. Collection method: clinical testing. Allele origin: germline.
Comment: Variant summary: TSC1 c.2432G>A (p.Arg811Gln) results in a conservative amino acid change in the encoded protein sequence. Three of five in-silico tools predict a benign effect of the variant on protein function. The variant allele was found at a frequency of 4e-06 in 251334 control chromosomes. The available data on variant occurrences in the general population are insufficient to allow any conclusion about variant significance. To our knowledge, no occurrence of c.2432G>A in individuals affected with Tuberous Sclerosis Complex and no experimental evidence demonstrating its impact on protein function have been reported. Four clinical diagnostic laboratories have submitted clinical-significance assessments for this variant to ClinVar after 2014 without evidence for independent evaluation. Based on the evidence outlined above, the variant was classified as uncertain significance.

Ambry Genetics
Classification: Likely benign for Hereditary cancer-predisposing syndrome. Last evaluated: 2022-02-16. Review status: criteria provided, single submitter. Criteria: Ambry Variant Classification Scheme 2023. Collection method: clinical testing. Allele origin: germline.

Sema4
Classification: Uncertain significance for Hereditary cancer-predisposing syndrome. Last evaluated: 2022-02-05. Review status: criteria provided, single submitter. Criteria: Sema4 Curation Guidelines. Collection method: curation. Allele origin: germline.
Comment: The TSC1 c.2432G>A (p.R811Q) variant has not been reported in individuals with TSC1-related disease. It was observed in 1/113676 chromosomes in the Non-Finnish European subpopulation according to the Genome Aggregation Database (PMID: 32461654). This variant has been reported in ClinVar (Variation ID: 664903). Functional studies have not been performed, and in silico predictions of the variant's effect on protein function are inconclusive. The evidence is insufficient to meet ACMG/AMP criteria for classifying the variant as benign or pathogenic. Thus, the clinical significance of this variant is currently uncertain.

Genome-Nilou Lab
Classification: Uncertain significance for Tuberous sclerosis 1. Last evaluated: 2021-11-07. Review status: criteria provided, single submitter. Criteria: ACMG Guidelines, 2015. Collection method: clinical testing. Allele origin: germline. Affected: no.

GeneDx
Classification: Likely benign. Last evaluated: 2018-09-21. Review status: criteria provided, single submitter. Criteria: GeneDx Variant Classification Process June 2021. Collection method: clinical testing. Allele origin: germline. Affected: yes.
Comment: This variant is associated with the following publications: (PMID: 27324988)